The following is an entry in ClinVar:

NM_020975.6(RET):c.1133A>T (p.Asp378Val)

Gene: RET (ret proto-oncogene; plus strand). Cytogenetic location: 10q11.21.
Variant type: single nucleotide variant.
Coding change: c.1133A>T on transcript NM_020975.6 (MANE Select); coding-DNA position 1133, A replaced by T.
Protein change: p.Asp378Val; replaces aspartic acid 378 with valine.
Molecular consequence: missense variant. On other transcripts: intron variant (18).
Genome position (GRCh38, 1-based): chr10:43,109,100, A>T. VCF-style: chr10-43109100-A-T. GRCh37 (hg19) VCF-style: chr10-43604548-A-T.
Other names: c.371A>T, p.Asp124Val (NM_001355216.2); c.1133A>T, p.Asp378Val (NM_001406743.1, NM_001406744.1, NM_001406759.1 and 4 more transcripts); c.1004A>T, p.Asp335Val (NM_001406761.1, NM_001406762.1, NM_001406764.1 and 1 more transcripts); c.845A>T, p.Asp282Val (NM_001406766.1, NM_001406767.1, NM_001406770.1); c.695A>T, p.Asp232Val (NM_001406771.1, NM_001406773.1); c.407A>T, p.Asp136Val (NM_001406775.1, NM_001406776.1, NM_001406777.1 and 1 more transcripts); c.143A>T, p.Asp48Val (NM_001406784.1); c.868-2107A>T (NM_001406772.1, NM_001406769.1); and 5 more; short protein forms D282V, D335V, D124V, D378V, D136V, D232V, D48V.
Identifiers: ClinVar variation 3432275 (VCV003432275.1).
Genomic context (GRCh38, chr10:43,109,100, plus strand): 5'-TCAACCGGAACCTCTCCATCTCGGAGAACCGCACCATGCAGCTGGCGGTGCTGGTCAATG[A>T]CTCAGACTTCCAGGGCCCAGGAGCGGGCGTCCTCTTGCTCCACTTCAACGTGTCGGTGCT-3'
Protein context (NP_066124.1, residues 368-388): RTMQLAVLVN[Asp378Val]SDFQGPGAGV

ClinVar aggregate classification (germline): Uncertain significance (1 of 4 stars; one submission).

Conditions:
Hereditary cancer-predisposing syndrome. Also called: Neoplastic Syndromes, Hereditary; Tumor predisposition; Hereditary Cancer Syndrome; Hereditary neoplastic syndrome. Identifiers: Orphanet 140162, MedGen C0027672, MeSH D009386, MONDO:0015356.

Submission:

Ambry Genetics
Classification: Uncertain significance for Hereditary cancer-predisposing syndrome. Last evaluated: 2024-10-01. Review status: criteria provided, single submitter. Criteria: Ambry Variant Classification Scheme 2023. Collection method: clinical testing. Allele origin: germline.
Comment: The p.D378V variant (also known as c.1133A>T), located in coding exon 6 of the RET gene, results from an A to T substitution at nucleotide position 1133. The aspartic acid at codon 378 is replaced by valine, an amino acid with highly dissimilar properties. This amino acid position is conserved. In addition, this alteration is predicted to be deleterious by in silico analysis. Based on the available evidence, the clinical significance of this variant remains unclear.